The following is an entry in ClinVar:

NM_001453.3(FOXC1):c.1148_1156del (p.Ala383_Gly385del)

Gene: FOXC1 (forkhead box C1; plus strand). Cytogenetic location: 6p25.3.
Variant type: Deletion.
Coding change: c.1148_1156del on transcript NM_001453.3 (MANE Select); coding-DNA positions 1148 to 1156, 9 bases deleted (CCGCGGGGG; older notation c.1148_1156delCCGCGGGGG).
Protein change: p.Ala383_Gly385del.
Molecular consequence: inframe deletion.
Genome position (GRCh38, 1-based): chr6:1,611,593-1,611,601, CCGCGGGGG deleted; deleting any 9 consecutive bases within chr6:1,611,585-1,611,601 gives the same sequence; the c. name uses the placement nearest the transcript's 3' end. VCF-style (leftmost placement, unchanged base first): chr6-1611584-GCGCGGGGGC-G. GRCh37 (hg19) VCF-style: chr6-1611819-GCGCGGGGGC-G.
Identifiers: ClinVar variation 1429674 (VCV001429674.6), dbSNP rs975290027, ClinGen allele CA565356193.
Genomic context (GRCh38, chr6:1,611,584, plus strand): 5'-TCTACAGCTCCCCCTGCAGCCAGACCTCCAGCGCGGGCAGCTCGGGCGGCGGCGGCGGCG[GCGCGGGGGC>G]CGCGGGGGGCGCGGGCGGCGCCGGGACCTACCACTGCAACCTGCAAGCCATGAGCCTGTA-3'

ClinVar aggregate classification (germline): Uncertain significance (1 of 4 stars; one submission).

Conditions:
Axenfeld-Rieger syndrome type 3 (RIEG3). Also called: AXENFELD-RIEGER ANOMALY WITH CARDIAC DEFECTS AND/OR SENSORINEURAL HEARING LOSS. Identifiers: Orphanet 782, MedGen C2678503, MONDO:0011233, OMIM 602482.

Submission:

Labcorp Genetics (formerly Invitae), Labcorp
Classification: Uncertain significance for Axenfeld-Rieger syndrome type 3. Last evaluated: 2021-12-02. Review status: criteria provided, single submitter. Criteria: Invitae Variant Classification Sherloc (09022015). Collection method: clinical testing. Allele origin: germline.
Comment: In summary, the available evidence is currently insufficient to determine the role of this variant in disease. Therefore, it has been classified as a Variant of Uncertain Significance. Experimental studies and prediction algorithms are not available or were not evaluated, and the functional significance of this variant is currently unknown. This variant has not been reported in the literature in individuals affected with FOXC1-related conditions. The frequency data for this variant in the population databases is considered unreliable, as metrics indicate poor data quality at this position in the gnomAD database. This variant, c.1148_1156del, results in the deletion of 3 amino acid(s) of the FOXC1 protein (p.Ala383_Gly385del), but otherwise preserves the integrity of the reading frame.